The following is an entry in ClinVar:

NM_004565.3(PEX14):c.1120_1121del (p.Glu373_Ser374insTer)

Gene: PEX14 (peroxisomal biogenesis factor 14; plus strand). Cytogenetic location: 1p36.22.
Variant type: Microsatellite.
Coding change: c.1120_1121del on transcript NM_004565.3 (MANE Select); coding-DNA positions 1120 to 1121, 2 bases deleted (AG; older notation c.1120_1121delAG).
Protein change: p.Glu373_Ser374insTer.
Molecular consequence: nonsense.
Genome position (GRCh38, 1-based): chr1:10,629,973-10,629,974, AG deleted; deleting any 2 consecutive bases within chr1:10,629,970-10,629,974 gives the same sequence; the c. name uses the placement nearest the transcript's 3' end. VCF-style (leftmost placement, unchanged base first): chr1-10629969-CGA-C. GRCh37 (hg19) VCF-style: chr1-10690026-CGA-C.
Identifiers: ClinVar variation 1439911 (VCV001439911.6), dbSNP rs2124651144, ClinGen allele CA2580611403.

ClinVar aggregate classification (germline): Uncertain significance (1 of 4 stars; one submission).

Conditions:
Peroxisome biogenesis disorder, complementation group K (CGK). Identifiers: MedGen C1866257, MONDO:0800365.

Submission:

Labcorp Genetics (formerly Invitae), Labcorp
Classification: Uncertain significance for Peroxisome biogenesis disorder, complementation group K. Last evaluated: 2023-11-06. Review status: criteria provided, single submitter. Criteria: Invitae Variant Classification Sherloc (09022015). Collection method: clinical testing. Allele origin: germline.
Comment: This sequence change creates a premature translational stop signal (p.Ser374*) in the PEX14 gene. While this is not anticipated to result in nonsense mediated decay, it is expected to disrupt the last 4 amino acid(s) of the PEX14 protein. This variant is not present in population databases (gnomAD no frequency). This variant has not been reported in the literature in individuals affected with PEX14-related conditions. In summary, the available evidence is currently insufficient to determine the role of this variant in disease. Therefore, it has been classified as a Variant of Uncertain Significance.